The following is an entry in ClinVar:

NM_007254.4(PNKP):c.482T>C (p.Val161Ala)

Gene: PNKP (polynucleotide kinase 3'-phosphatase; minus strand). Cytogenetic location: 19q13.33.
Variant type: single nucleotide variant.
Coding change: c.482T>C on transcript NM_007254.4 (MANE Select); coding-DNA position 482, T replaced by C.
Protein change: p.Val161Ala; replaces valine 161 with alanine.
Molecular consequence: missense variant.
Genome position (GRCh38, 1-based): chr19:49,865,143, A>G on the plus strand (T>C on the coding strand, the complement: PNKP is on the minus strand). VCF-style: chr19-49865143-A-G. GRCh37 (hg19) VCF-style: chr19-50368400-A-G.
Other names: short protein forms V161A.
Identifiers: ClinVar variation 1373906 (VCV001373906.4), dbSNP rs368921337, ClinGen allele CA309498342.

ClinVar aggregate classification (germline): Uncertain significance (1 of 4 stars; one submission).

Conditions:
Developmental and epileptic encephalopathy, 12 (DEE12). Identifiers: MedGen C3150988, MONDO:0013389, OMIM 613722.

Allele frequency attached by ClinVar (database versions not stated): gnomAD exomes 0.00001; TOPMed 0.00003; ESP Exome Variant Server 0.00008.
gnomAD v4.1: 13 of 1,613,710 alleles (0.00081%); highest among the groups gnomAD compares: Admixed American, 0.0017%; no homozygotes.

Submission:

Labcorp Genetics (formerly Invitae), Labcorp
Classification: Uncertain significance for Developmental and epileptic encephalopathy, 12. Last evaluated: 2021-08-10. Review status: criteria provided, single submitter. Criteria: Invitae Variant Classification Sherloc (09022015). Collection method: clinical testing. Allele origin: germline.
Comment: This sequence change replaces valine with alanine at codon 161 of the PNKP protein (p.Val161Ala). The valine residue is highly conserved and there is a small physicochemical difference between valine and alanine. This variant is not present in population databases (ExAC no frequency). This variant has not been reported in the literature in individuals affected with PNKP-related conditions. Algorithms developed to predict the effect of missense changes on protein structure and function (SIFT, PolyPhen-2, Align-GVGD) all suggest that this variant is likely to be tolerated. In summary, the available evidence is currently insufficient to determine the role of this variant in disease. Therefore, it has been classified as a Variant of Uncertain Significance.